The following is an entry in ClinVar:

NM_000368.5(TSC1):c.2145del (p.Asn716fs)

Gene: TSC1 (TSC complex subunit 1; minus strand). Cytogenetic location: 9q34.13.
Variant type: Deletion.
Coding change: c.2145del on transcript NM_000368.5 (MANE Select); coding-DNA position 2145, one base deleted (G; older notation c.2145delG).
Protein change: p.Asn716fs; shifts the reading frame from asparagine 716.
Molecular consequence: frameshift variant.
Genome position (GRCh38, 1-based): chr9:132,903,714, C deleted on the plus strand (G on the coding strand, the reverse complement: TSC1 is on the minus strand); the first of 2 consecutive C bases (chr9:132,903,714-132,903,715); deleting either gives the same sequence. VCF-style (leftmost placement, unchanged base first): chr9-132903713-TC-T. GRCh37 (hg19) VCF-style: chr9-135779100-TC-T.
Other names: c.2145delG (NM_000368.4); c.2142del, p.Asn715fs (NM_001162426.2); c.1992del, p.Asn665fs (NM_001162427.2); c.1782del, p.Asn595fs (NM_001362177.2); short protein forms N595fs, N715fs, N665fs.
Identifiers: ClinVar variation 48910 (VCV000048910.11), dbSNP rs118203650, ClinGen allele CA006079.

ClinVar aggregate classification (germline): Pathogenic. Review status: criteria provided, multiple submitters, no conflicts (2 of 4 stars). 5 submissions from 5 submitters: Pathogenic (4). 1 of the submissions does not count toward it. Last evaluated 2024-06-17.

Conditions:
Tuberous sclerosis 1 (TSC1). Identifiers: Orphanet 805, MedGen C1854465, MONDO:0008612, OMIM 191100.
Tuberous sclerosis syndrome (TSC). Also called: Tuberous Sclerosis Complex; Tuberous sclerosis. Identifiers: Orphanet 805, MedGen C0041341, MONDO:0001734.

Submissions (5):

Molecular Pathology, Peter Maccallum Cancer Centre
Classification: Pathogenic for Tuberous sclerosis 1. Last evaluated: 2024-06-17. Review status: criteria provided, single submitter. Criteria: ACMG Guidelines, 2015. Collection method: clinical testing. Allele origin: germline. Inheritance: Autosomal dominant inheritance.

Labcorp Genetics (formerly Invitae), Labcorp
Classification: Pathogenic for Tuberous sclerosis 1. Last evaluated: 2023-09-10. Review status: criteria provided, single submitter. Criteria: Invitae Variant Classification Sherloc (09022015). Collection method: clinical testing. Allele origin: germline.
Comment: This premature translational stop signal has been observed in individual(s) with tuberous sclerosis complex (PMID: 9328481). This variant is not present in population databases (gnomAD no frequency). This sequence change creates a premature translational stop signal (p.Asn716Thrfs*8) in the TSC1 gene. It is expected to result in an absent or disrupted protein product. Loss-of-function variants in TSC1 are known to be pathogenic (PMID: 10227394, 17304050). This variant is also known as c.2365delG. For these reasons, this variant has been classified as Pathogenic. ClinVar contains an entry for this variant (Variation ID: 48910).

Genome-Nilou Lab
Classification: Pathogenic for Tuberous sclerosis 1. Last evaluated: 2021-11-07. Review status: criteria provided, single submitter. Criteria: ACMG Guidelines, 2015. Collection method: clinical testing. Allele origin: germline. Affected: no.

GeneDx
Classification: Pathogenic. Last evaluated: 2019-03-01. Review status: criteria provided, single submitter. Criteria: GeneDx Variant Classification (06012015). Collection method: clinical testing. Allele origin: germline. Affected: yes.
Comment: The c.2145delG pathogenic variant in the TSC1 gene has been reported previously as c.2365delG due to the use of alternative nomenclature in individuals with a clinical diagnosis of tuberous sclerosis complex (Jones et al., 1997; Dabora et al., 1998). The deletion causes a frameshift starting with codon Asparagine 716, changes this amino acid to a Threonine residue and creates a premature Stop codon at position 8 of the new reading frame, denoted p.Asn716ThrfsX8. This pathogenic variant is predicted to cause loss of normal protein function either through protein truncation or nonsense-mediated mRNA decay. Furthermore, the c.2145delG variant is not observed in large population cohorts (Lek et al., 2016).

Tuberous sclerosis database (TSC1)
No classification provided. Condition: TSC. Review status: no classification provided. Criteria: Tuberous Sclerosis Database Assertion Criteria 2015. Collection method: curation. Allele origin: germline. Affected: yes. Not counted in ClinVar's aggregate classification.

Literature cited by the submitters: PubMed 9328481 (cited by Labcorp Genetics (formerly Invitae), Labcorp); PubMed 10227394 (cited by Labcorp Genetics (formerly Invitae), Labcorp); PubMed 17304050 (cited by Labcorp Genetics (formerly Invitae), Labcorp).